The following is an entry in ClinVar:

ClinVar aggregate classification (germline): Benign (1 of 4 stars; one submission).

Allele frequency attached by ClinVar (database versions not stated): gnomAD exomes 0.42891; 1000 Genomes Project 0.44529; 1000 Genomes Project 30x 0.45378; ExAC 0.47395; gnomAD 0.47771; TOPMed 0.48964.
gnomAD v4.1: 165,243 of 367,680 alleles (45%); highest among the groups gnomAD compares: African/African-American, 59%; 38,472 homozygotes.

Submission:

Unidad de Genómica Garrahan, Hospital de Pediatría Garrahan
Classification: Benign. Last evaluated: 2023-11-12. Review status: criteria provided, single submitter. Criteria: ACMG Guidelines, 2015. Collection method: clinical testing. Allele origin: germline. Affected: no. Observed: 63 variant alleles.
Comment: This variant is classified as Benign based on local population frequency. This variant was detected in 66% of patients studied by a panel of primary immunodeficiencies. Number of patients: 63. Only high quality variants are reported.

NM_000431.4(MVK):c.227-482T>C

Gene: MVK (mevalonate kinase; plus strand). Cytogenetic location: 12q24.11.
Variant type: single nucleotide variant.
Coding change: c.227-482T>C on transcript NM_000431.4 (MANE Select); 482 bases into the intron before coding-DNA position 227, T replaced by C.
Molecular consequence: intron variant.
Genome position (GRCh38, 1-based): chr12:109,579,320, T>C. VCF-style: chr12-109579320-T-C. GRCh37 (hg19) VCF-style: chr12-110017125-T-C.
Other names: c.227-482T>C (NM_001414511.1, NM_001414512.1, NM_001414513.1 and 3 more transcripts); c.-356-482T>C (NM_001414515.1).
Identifiers: ClinVar variation 2628138 (VCV002628138.2), dbSNP rs3742015, ClinGen allele CA6779204.